The following is an entry in ClinVar:

ClinVar aggregate classification (germline): Uncertain significance (1 of 4 stars; one submission).

Allele frequency attached by ClinVar (database versions not stated): TOPMed below 0.00001; gnomAD 0.00001; gnomAD exomes 0.00001.
gnomAD v4.1: 13 of 1,613,890 alleles (0.00081%); highest among the groups gnomAD compares: Non-Finnish European, 0.0011%; no homozygotes.

Submission:

Labcorp Genetics (formerly Invitae), Labcorp
Classification: Uncertain significance. Last evaluated: 2022-08-30. Review status: criteria provided, single submitter. Criteria: Invitae Variant Classification Sherloc (09022015). Collection method: clinical testing. Allele origin: germline.
Comment: This sequence change replaces alanine, which is neutral and non-polar, with proline, which is neutral and non-polar, at codon 1095 of the TTC37 protein (p.Ala1095Pro). This variant is present in population databases (no rsID available, gnomAD 0.002%). This variant has not been reported in the literature in individuals affected with TTC37-related conditions. Algorithms developed to predict the effect of missense changes on protein structure and function are either unavailable or do not agree on the potential impact of this missense change (SIFT: "Deleterious"; PolyPhen-2: "Possibly Damaging"; Align-GVGD: "Class C0"). In summary, the available evidence is currently insufficient to determine the role of this variant in disease. Therefore, it has been classified as a Variant of Uncertain Significance.

NM_014639.4(SKIC3):c.3283G>C (p.Ala1095Pro)

Gene: SKIC3 (SKI3 subunit of superkiller complex; minus strand). Cytogenetic location: 5q15.
Variant type: single nucleotide variant.
Coding change: c.3283G>C on transcript NM_014639.4 (MANE Select); coding-DNA position 3283, G replaced by C.
Protein change: p.Ala1095Pro; replaces alanine 1095 with proline.
Molecular consequence: missense variant.
Genome position (GRCh38, 1-based): chr5:95,502,938, C>G on the plus strand (G>C on the coding strand, the complement: SKIC3 is on the minus strand). VCF-style: chr5-95502938-C-G. GRCh37 (hg19) VCF-style: chr5-94838642-C-G.
Other names: short protein forms A1095P.
Identifiers: ClinVar variation 1958828 (VCV001958828.2), dbSNP rs1233845555, ClinGen allele CA360452129.